The following is an entry in ClinVar:

ClinVar aggregate classification (germline): Uncertain significance (1 of 4 stars; one submission).

Allele frequency attached by ClinVar (database versions not stated): gnomAD exomes below 0.00001; TOPMed below 0.00001; ExAC 0.00001.
gnomAD v4.1: 1 of 1,614,220 alleles (0.000062%); highest among the groups gnomAD compares: South Asian, 0.0011%; no homozygotes.

Submission:

Labcorp Genetics (formerly Invitae), Labcorp
Classification: Uncertain significance. Last evaluated: 2025-10-18. Review status: criteria provided, single submitter. Criteria: Invitae Variant Classification Sherloc (09022015). Collection method: clinical testing. Allele origin: germline.
Comment: This sequence change replaces leucine, which is neutral and non-polar, with serine, which is neutral and polar, at codon 642 of the DISP1 protein (p.Leu642Ser). This variant is present in population databases (rs753886707, gnomAD 0.003%). This variant has not been reported in the literature in individuals affected with DISP1-related conditions. ClinVar contains an entry for this variant (Variation ID: 2801313). An algorithm developed to predict the effect of missense changes on protein structure and function (PolyPhen-2) suggests that this variant is likely to be disruptive. In summary, the available evidence is currently insufficient to determine the role of this variant in disease. Therefore, it has been classified as a Variant of Uncertain Significance.

NM_001377229.1(DISP1):c.1925T>C (p.Leu642Ser)

Gene: DISP1 (dispatched RND transporter family member 1; plus strand). Cytogenetic location: 1q41.
Variant type: single nucleotide variant.
Coding change: c.1925T>C on transcript NM_001377229.1 (MANE Select); coding-DNA position 1925, T replaced by C.
Protein change: p.Leu642Ser; replaces leucine 642 with serine.
Molecular consequence: missense variant.
Genome position (GRCh38, 1-based): chr1:223,003,322, T>C. VCF-style: chr1-223003322-T-C. GRCh37 (hg19) VCF-style: chr1-223176664-T-C.
Other names: c.1196T>C, p.Leu399Ser (NM_001350630.2); c.1925T>C, p.Leu642Ser (NM_001369594.1, NM_001377228.1, NM_032890.5); short protein forms L399S, L642S.
Identifiers: ClinVar variation 2801313 (VCV002801313.3), dbSNP rs753886707, ClinGen allele CA1409151.